The following is an entry in ClinVar:

ClinVar aggregate classification (germline): Uncertain significance (1 of 4 stars; one submission).

Conditions:
Cortical dysplasia-focal epilepsy syndrome (PTHSL1). Also called: Pitt-Hopkins-like syndrome 1. Identifiers: Orphanet 163681, Orphanet 221150, MedGen C2750246, MONDO:0012400, OMIM 610042.

Submission:

Labcorp Genetics (formerly Invitae), Labcorp
Classification: Uncertain significance for Cortical dysplasia-focal epilepsy syndrome. Last evaluated: 2025-01-27. Review status: criteria provided, single submitter. Criteria: Invitae Variant Classification Sherloc (09022015). Collection method: clinical testing. Allele origin: germline.
Comment: This sequence change results in a frameshift in the CNTNAP2 gene (p.Lys1299Glnfs*34). While this is not anticipated to result in nonsense mediated decay, it is expected to disrupt the last 33 amino acid(s) of the CNTNAP2 protein. This variant is not present in population databases (gnomAD no frequency). This variant has not been reported in the literature in individuals affected with CNTNAP2-related conditions. ClinVar contains an entry for this variant (Variation ID: 1521017). Experimental studies and prediction algorithms are not available or were not evaluated, and the functional significance of this variant is currently unknown. In summary, the available evidence is currently insufficient to determine the role of this variant in disease. Therefore, it has been classified as a Variant of Uncertain Significance.

NM_014141.6(CNTNAP2):c.3867_3894dup (p.Lys1299fs)

Gene: CNTNAP2 (contactin associated protein 2; plus strand). Cytogenetic location: 7q36.1.
Variant type: Duplication.
Coding change: c.3867_3894dup on transcript NM_014141.6 (MANE Select); coding-DNA positions 3867 to 3894, 28 bases duplicated (CAAGGGCACCTACCATACCAACGAAGCA).
Protein change: p.Lys1299fs; shifts the reading frame from lysine 1299.
Molecular consequence: frameshift variant.
Genome position (GRCh38, 1-based): chr7:148,415,487-148,415,514, CAAGGGCACCTACCATACCAACGAAGCA duplicated; duplicating any 28 consecutive bases within chr7:148,415,485-148,415,514 gives the same sequence; the c. name uses the placement nearest the transcript's 3' end. VCF-style (leftmost placement, unchanged base first): chr7-148415484-C-CCACAAGGGCACCTACCATACCAACGAAG. GRCh37 (hg19) VCF-style: chr7-148112576-C-CCACAAGGGCACCTACCATACCAACGAAG.
Other names: short protein forms K1299fs.
Identifiers: ClinVar variation 1521017 (VCV001521017.5), dbSNP rs1799962147, ClinGen allele CA1108502497.